The following is an entry in ClinVar:

NM_001256071.3(RNF213):c.10450G>A (p.Gly3484Ser)

Genes: RNF213 (ring finger protein 213; plus strand), RNF213-AS1 (RNF213 antisense RNA 1; minus strand). Cytogenetic location: 17q25.3.
Variant type: single nucleotide variant.
Coding change: c.10450G>A on transcript NM_001256071.3 (MANE Select); coding-DNA position 10450, G replaced by A.
Protein change: p.Gly3484Ser; replaces glycine 3484 with serine.
Molecular consequence: missense variant. On other transcripts: non-coding transcript variant (1).
Genome position (GRCh38, 1-based): chr17:80,353,538, G>A. VCF-style: chr17-80353538-G-A. GRCh37 (hg19) VCF-style: chr17-78327338-G-A.
Other names: p.Gly3484Ser; c.10597G>A, p.Gly3533Ser (NM_001410195.1, NM_020914.5); short protein forms G3533S, G3484S.
Identifiers: ClinVar variation 2864517 (VCV002864517.4), dbSNP rs140300282, ClinGen allele CA8821455.
Genomic context (GRCh38, chr17:80,353,538, plus strand): 5'-AGTGGTAACGCAATCACGTTTGCTTCGACTGCAGTGGGCTTGGAACACCGGGCGGAAGAC[G>A]GCCATGAGGAGGCGATGGAGACGGAGGCCAGCACATCAGGGGAGGTGGCAGAGGTGGCAG-3'
Protein context (NP_001243000.2, residues 3474-3494): ELGLEHRAED[Gly3484Ser]HEEAMETEAS

ClinVar aggregate classification (germline): Conflicting classifications of pathogenicity. Review status: criteria provided, conflicting classifications (1 of 4 stars). 2 submissions from 2 submitters: Uncertain significance (1); Likely benign (1). Last evaluated 2025-07-09.

Allele frequency attached by ClinVar (database versions not stated): 1000 Genomes Project 30x 0.00031; gnomAD 0.00054; TOPMed 0.00091; ESP Exome Variant Server 0.00077; gnomAD exomes 0.00083; ExAC 0.00049; 1000 Genomes Project 0.00040.
gnomAD v4.1: 1,279 of 1,613,088 alleles (0.079%); highest among the groups gnomAD compares: Admixed American, 0.1%; 1 homozygote.

Submissions (2):

Labcorp Genetics (formerly Invitae), Labcorp
Classification: Likely benign. Last evaluated: 2025-07-09. Review status: criteria provided, single submitter. Criteria: Invitae Variant Classification Sherloc (09022015). Collection method: clinical testing. Allele origin: germline.

Mayo Clinic Laboratories, Mayo Clinic
Classification: Uncertain significance. Last evaluated: 2023-12-06. Review status: criteria provided, single submitter. Criteria: ACMG Guidelines, 2015. Collection method: clinical testing. Allele origin: germline. Observed: 1 variant allele.
Comment: BP4_strong, PP2

Literature cited by the submitters: PubMed 32367296 (cited by Mayo Clinic Laboratories, Mayo Clinic); PubMed 33408077 (cited by Mayo Clinic Laboratories, Mayo Clinic).